The following is an entry in ClinVar:

ClinVar aggregate classification (germline): Pathogenic/Likely pathogenic. Review status: criteria provided, multiple submitters, no conflicts (2 of 4 stars). 2 submissions from 2 submitters: Pathogenic (1); Likely pathogenic (1). Last evaluated 2024-08-08.

Conditions:
Developmental and epileptic encephalopathy, 1 (DEE1). Also called: X-linked infantile spasms; West's syndrome; Tonic spasms with clustering, arrest of psychomotor development and hypsarrhythmia on EEG; X-Linked Infantile Spasm Syndrome; OHTAHARA SYNDROME, X-LINKED; INFANTILE SPASM SYNDROME, X-LINKED 1. Identifiers: MedGen C3463992, MONDO:0010632, OMIM 308350. Disease mechanism: loss of function.
Autosomal dominant nonsyndromic hearing loss 65. Also called: Deafness, autosomal dominant 65; TBC1D24-Related Autosomal Dominant Nonsyndromic Hearing Loss (DFNA). Identifiers: Orphanet 90635, MedGen C3892048, MONDO:0014470, OMIM 616044.

Submissions (2):

Revvity Omics, Revvity
Classification: Likely pathogenic. Last evaluated: 2024-08-08. Review status: criteria provided, single submitter. Criteria: ACMG Guidelines, 2015. Collection method: clinical testing. Allele origin: germline.

Labcorp Genetics (formerly Invitae), Labcorp
Classification: Pathogenic for Developmental and epileptic encephalopathy, 1; Autosomal dominant nonsyndromic hearing loss 65. Last evaluated: 2022-03-01. Review status: criteria provided, single submitter. Criteria: Invitae Variant Classification Sherloc (09022015). Collection method: clinical testing. Allele origin: germline.
Comment: For these reasons, this variant has been classified as Pathogenic. This variant disrupts a region of the TBC1D24 protein in which other variant(s) (p.Cys530Trp) have been determined to be pathogenic (Invitae). This suggests that this is a clinically significant region of the protein, and that variants that disrupt it are likely to be disease-causing. This variant has not been reported in the literature in individuals affected with TBC1D24-related conditions. This variant is not present in population databases (gnomAD no frequency). This sequence change creates a premature translational stop signal (p.Ser472Thrfs*54) in the TBC1D24 gene. While this is not anticipated to result in nonsense mediated decay, it is expected to disrupt the last 88 amino acid(s) of the TBC1D24 protein.

NM_001199107.2(TBC1D24):c.1402_1409dup (p.Ser472fs)

Gene: TBC1D24 (TBC1 domain family member 24; plus strand). Cytogenetic location: 16p13.3.
Variant type: Duplication.
Coding change: c.1402_1409dup on transcript NM_001199107.2 (MANE Select); coding-DNA positions 1402 to 1409, 8 bases duplicated (AGCCACTC; older notation c.1402_1409dupAGCCACTC).
Protein change: p.Ser472fs; shifts the reading frame from serine 472.
Molecular consequence: frameshift variant.
Genome position (GRCh38, 1-based): chr16:2,500,367-2,500,374, AGCCACTC duplicated; duplicating any 8 consecutive bases within chr16:2,500,361-2,500,374 gives the same sequence; the c. name uses the placement nearest the transcript's 3' end. VCF-style (leftmost placement, unchanged base first): chr16-2500360-C-CCCACTCAG. GRCh37 (hg19) VCF-style: chr16-2550361-C-CCCACTCAG.
Other names: c.1384_1391dup, p.Ser466fs (NM_020705.3); short protein forms S466fs, S472fs.
Identifiers: ClinVar variation 2101220 (VCV002101220.5), dbSNP rs2505526757, ClinGen allele CA2580091057.